The following is an entry in ClinVar:

ClinVar aggregate classification (germline): Uncertain significance. Review status: criteria provided, multiple submitters, no conflicts (2 of 4 stars). 3 submissions from 3 submitters: Uncertain significance (3). Last evaluated 2025-11-22.

Conditions:
Hereditary cancer-predisposing syndrome. Also called: Neoplastic Syndromes, Hereditary; Hereditary Cancer Syndrome; Tumor predisposition; Hereditary neoplastic syndrome. Identifiers: Orphanet 140162, MedGen C0027672, MeSH D009386, MONDO:0015356.
Multiple endocrine neoplasia, type 2 (MEN2). Identifiers: Orphanet 653, MedGen C4048306, MONDO:0019003. Disease mechanism: gain of function.

Allele frequency attached by ClinVar (database versions not stated): gnomAD exomes 0.00001 and 0.00002; ExAC 0.00002.
gnomAD v4.1: 25 of 1,614,066 alleles (0.0015%); highest among the groups gnomAD compares: South Asian, 0.0077%; no homozygotes.

Submissions (3):

Labcorp Genetics (formerly Invitae), Labcorp
Classification: Uncertain significance for Multiple endocrine neoplasia, type 2. Last evaluated: 2025-11-22. Review status: criteria provided, single submitter. Criteria: Invitae Variant Classification Sherloc (09022015). Collection method: clinical testing. Allele origin: germline.
Comment: This sequence change replaces asparagine, which is neutral and polar, with serine, which is neutral and polar, at codon 1044 of the RET protein (p.Asn1044Ser). This variant is present in population databases (rs772807570, gnomAD 0.006%). This variant has not been reported in the literature in individuals affected with RET-related conditions. ClinVar contains an entry for this variant (Variation ID: 543754). An algorithm developed to predict the effect of missense changes on protein structure and function outputs the following: PolyPhen-2: "Benign". The serine amino acid residue is found in multiple mammalian species, which suggests that this missense change does not adversely affect protein function. Algorithms developed to predict the effect of sequence changes on RNA splicing suggest that this variant may create or strengthen a splice site. In summary, the available evidence is currently insufficient to determine the role of this variant in disease. Therefore, it has been classified as a Variant of Uncertain Significance.

Ambry Genetics
Classification: Uncertain significance for Hereditary cancer-predisposing syndrome. Last evaluated: 2023-12-19. Review status: criteria provided, single submitter. Criteria: Ambry Variant Classification Scheme 2023. Collection method: clinical testing. Allele origin: germline.
Comment: The p.N1044S variant (also known as c.3131A>G), located in coding exon 19 of the RET gene, results from an A to G substitution at nucleotide position 3131. The asparagine at codon 1044 is replaced by serine, an amino acid with highly similar properties. This amino acid position is not well conserved in available vertebrate species. In addition, this alteration is predicted to be tolerated by in silico analysis. Since supporting evidence is limited at this time, the clinical significance of this alteration remains unclear.

All of Us Research Program, National Institutes of Health
Classification: Uncertain significance for Multiple endocrine neoplasia, type 2. Last evaluated: 2023-12-13. Review status: criteria provided, single submitter. Criteria: ACMG Guidelines, 2015. Collection method: clinical testing. Allele origin: germline. Inheritance: Autosomal dominant inheritance. Observed: 1 variant allele, 1 heterozygote.
Comment: This missense variant replaces asparagine with serine at codon 1044 of the RET protein. Computational prediction suggests that this variant may not impact protein structure and function (internally defined REVEL score threshold <= 0.5, PMID: 27666373). To our knowledge, functional studies have not been reported for this variant. This variant has not been reported in individuals affected with RET-related disorders in the literature. This variant has been identified in 3/251468 chromosomes in the general population by the Genome Aggregation Database (gnomAD). The available evidence is insufficient to determine the role of this variant in disease conclusively. Therefore, this variant is classified as a Variant of Uncertain Significance.

This study involves interpretation of variants in research participants for the purpose of population health screening. Participant phenotype was not available at the time of variant classification. Additional details can be found in publication PMID: 35346344, PMCID: PMC8962531

NM_020975.6(RET):c.3131A>G (p.Asn1044Ser)

Gene: RET (ret proto-oncogene; plus strand). Cytogenetic location: 10q11.21.
Variant type: single nucleotide variant.
Coding change: c.3131A>G on transcript NM_020975.6 (MANE Select); coding-DNA position 3131, A replaced by G.
Protein change: p.Asn1044Ser; replaces asparagine 1044 with serine.
Molecular consequence: missense variant.
Genome position (GRCh38, 1-based): chr10:43,126,666, A>G. VCF-style: chr10-43126666-A-G. GRCh37 (hg19) VCF-style: chr10-43622114-A-G.
Other names: c.3131A>G, p.Asn1044Ser (NM_000323.2, NM_001406743.1, NM_001406744.1 and 2 more transcripts); c.2369A>G, p.Asn790Ser (NM_001355216.2); c.3002A>G, p.Asn1001Ser (NM_001406761.1, NM_001406762.1, NM_001406764.1); c.2996A>G, p.Asn999Ser (NM_001406763.1, NM_001406765.1); c.2843A>G, p.Asn948Ser (NM_001406766.1, NM_001406767.1, NM_001406770.1); c.2867A>G, p.Asn956Ser (NM_001406768.1); c.2735A>G, p.Asn912Ser (NM_001406769.1, NM_001406772.1); c.2693A>G, p.Asn898Ser (NM_001406771.1, NM_001406773.1); and 10 more; short protein forms N1044S, N790S, N702S, N705S, N912S, N745S, N999S, N700S.
Identifiers: ClinVar variation 543754 (VCV000543754.12), dbSNP rs772807570, ClinGen allele CA042721.